The following is an entry in ClinVar:

NM_002755.4(MAP2K1):c.979A>G (p.Ser327Gly)

Gene: MAP2K1 (mitogen-activated protein kinase kinase 1; plus strand). Cytogenetic location: 15q22.31.
Variant type: single nucleotide variant.
Coding change: c.979A>G on transcript NM_002755.4 (MANE Select); coding-DNA position 979, A replaced by G.
Protein change: p.Ser327Gly; replaces serine 327 with glycine.
Molecular consequence: missense variant.
Genome position (GRCh38, 1-based): chr15:66,489,233, A>G. VCF-style: chr15-66489233-A-G. GRCh37 (hg19) VCF-style: chr15-66781571-A-G.
Other names: c.835A>G, p.Ser279Gly (NM_001411065.1); short protein forms S279G, S327G.
Identifiers: ClinVar variation 4710026 (VCV004710026.1).

ClinVar aggregate classification (germline): Uncertain significance (1 of 4 stars; one submission).

Conditions:
RASopathy. Also called: Noonan spectrum disorder; rasopathies. Identifiers: Orphanet 536391, MedGen C5555857, MONDO:0021060.

Submission:

Labcorp Genetics (formerly Invitae), Labcorp
Classification: Uncertain significance for RASopathy. Last evaluated: 2026-02-02. Review status: criteria provided, single submitter. Criteria: Invitae Variant Classification Sherloc (09022015). Collection method: clinical testing. Allele origin: germline.
Comment: This sequence change replaces serine, which is neutral and polar, with glycine, which is neutral and non-polar, at codon 327 of the MAP2K1 protein (p.Ser327Gly). This variant is present in population databases (no rsID available, gnomAD 0.0009%). This variant has not been reported in the literature in individuals affected with MAP2K1-related conditions. Invitae Evidence Modeling of protein sequence and biophysical properties (such as structural, functional, and spatial information, amino acid conservation, physicochemical variation, residue mobility, and thermodynamic stability) indicates that this missense variant is not expected to disrupt MAP2K1 protein function with a negative predictive value of 95%. In summary, the available evidence is currently insufficient to determine the role of this variant in disease. Therefore, it has been classified as a Variant of Uncertain Significance.